The following is an entry in ClinVar:

ClinVar aggregate classification (germline): Uncertain significance. Review status: criteria provided, multiple submitters, no conflicts (2 of 4 stars). 3 submissions from 3 submitters: Uncertain significance (3). Last evaluated 2025-12-25.

Conditions:
MYH7B-related disorder. Also called: MYH7B-related condition.

Allele frequency attached by ClinVar (database versions not stated): gnomAD exomes 0.00001; ExAC 0.00002; gnomAD 0.00011; TOPMed 0.00027.
gnomAD v4.1: 34 of 1,612,820 alleles (0.0021%); highest among the groups gnomAD compares: Admixed American, 0.035%; no homozygotes.

Submissions (3):

Labcorp Genetics (formerly Invitae), Labcorp
Classification: Uncertain significance. Last evaluated: 2025-12-25. Review status: criteria provided, single submitter. Criteria: Invitae Variant Classification Sherloc (09022015). Collection method: clinical testing. Allele origin: germline.
Comment: This sequence change replaces arginine, which is basic and polar, with cysteine, which is neutral and slightly polar, at codon 1094 of the MYH7B protein (p.Arg1094Cys). This variant is present in population databases (rs762810135, gnomAD 0.01%). This variant has not been reported in the literature in individuals affected with MYH7B-related conditions. ClinVar contains an entry for this variant (Variation ID: 2077786). Invitae Evidence Modeling of protein sequence and biophysical properties (such as structural, functional, and spatial information, amino acid conservation, physicochemical variation, residue mobility, and thermodynamic stability) indicates that this missense variant is expected to disrupt MYH7B protein function with a positive predictive value of 80%. In summary, the available evidence is currently insufficient to determine the role of this variant in disease. Therefore, it has been classified as a Variant of Uncertain Significance.

Ambry Genetics
Classification: Uncertain significance. Last evaluated: 2025-12-22. Review status: criteria provided, single submitter. Criteria: Ambry Variant Classification Scheme 2023. Collection method: clinical testing. Allele origin: germline.

PreventionGenetics, part of Exact Sciences
Classification: Uncertain significance for MYH7B-related condition. Last evaluated: 2025-12-04. Review status: criteria provided, single submitter. Criteria: ACMG Guidelines, 2015. Collection method: clinical testing. Allele origin: germline.
Comment: The MYH7B c.3280C>T variant is predicted to result in the amino acid substitution p.Arg1094Cys. To our knowledge, this variant has not been reported in the literature. This variant is reported in 0.010% of alleles in individuals of East Asian descent in gnomAD. At this time, the clinical significance of this variant is uncertain due to the absence of conclusive functional and genetic evidence.

NM_020884.7(MYH7B):c.3154C>T (p.Arg1052Cys)

Gene: MYH7B (myosin heavy chain 7B; plus strand). Cytogenetic location: 20q11.22.
Variant type: single nucleotide variant.
Coding change: c.3154C>T on transcript NM_020884.7 (MANE Select); coding-DNA position 3154, C replaced by T.
Protein change: p.Arg1052Cys; replaces arginine 1052 with cysteine.
Molecular consequence: missense variant.
Genome position (GRCh38, 1-based): chr20:34,996,646, C>T. VCF-style: chr20-34996646-C-T. GRCh37 (hg19) VCF-style: chr20-33584449-C-T.
Other names: c.3280C>T (NM_020884.3, NM_020884.4); short protein forms R1052C.
Identifiers: ClinVar variation 2077786 (VCV002077786.7), dbSNP rs762810135, ClinGen allele CA9827650.